The following is an entry in ClinVar:

ClinVar aggregate classification (germline): Pathogenic/Likely pathogenic. Review status: criteria provided, multiple submitters, no conflicts (2 of 4 stars). 4 submissions from 4 submitters: Pathogenic (2); Likely pathogenic (1). 1 of the submissions does not count toward it. Last evaluated 2025-08-29.

Conditions:
Agenesis of the corpus callosum with peripheral neuropathy (ACCPN). Also called: CHARLEVOIX DISEASE; POLYNEUROPATHY, SENSORIMOTOR, WITH OR WITHOUT AGENESIS OF THE CORPUS CALLOSUM; HMSN/ACC; Hereditary Motor and Sensory Neuropathy with Agenesis of the Corpus Callosum. Identifiers: Orphanet 1496, MedGen C0795950, MONDO:0000902, OMIM 218000. Disease mechanism: loss of function.

Submissions (4):

Natera, Inc.
Classification: Pathogenic for Andermann syndrome. Last evaluated: 2025-08-29. Review status: criteria provided, single submitter. Criteria: Natera Variant Classification Schema (03/2026). Collection method: clinical testing. Allele origin: germline.
Comment: The c.571_572dupGT variant in SLC12A6 is a frameshift variant predicted to shift the reading frame beginning at codon 192 and leads to a stop codon 12 codons downstream. This variant is expected to result in nonsense mediated decay, truncation, or a dysfunctional protein product. This variant is rare in the general population with a frequency below the threshold expected for the associated phenotype(s). This variant has been observed in one or more individuals affected with the associated recessive disease, as either homozygous or compound heterozygous with a second variant (PMID: 22462673). Given the available evidence, this variant is classified as Pathogenic.

Baylor Genetics
Classification: Pathogenic for Agenesis of the corpus callosum with peripheral neuropathy. Last evaluated: 2023-03-05. Review status: criteria provided, single submitter. Criteria: ACMG Guidelines, 2015. Collection method: clinical testing. Allele origin: unknown.

Women's Health and Genetics/Laboratory Corporation of America, LabCorp
Classification: Likely pathogenic for Agenesis of the corpus callosum with peripheral neuropathy. Last evaluated: 2019-11-11. Review status: criteria provided, single submitter. Criteria: LabCorp Variant Classification Summary - May 2015. Collection method: clinical testing. Allele origin: germline.
Comment: Variant summary: SLC12A6 c.571_572dupGT (p.Tyr192SerfsX12) results in a premature termination codon, predicted to cause a truncation of the encoded protein or absence of the protein due to nonsense mediated decay, which are commonly known mechanisms for disease. The variant was absent in 251146 control chromosomes (gnomAD). c.571_572dupGT has been reported in the literature in at least one individual affected with Andermann Syndrome (Lourenco_2012). These data indicate that the variant may be associated with disease. To our knowledge, no experimental evidence demonstrating an impact on protein function has been reported. No clinical diagnostic laboratories have submitted clinical-significance assessments for this variant to ClinVar after 2014. Based on the evidence outlined above, the variant was classified as likely pathogenic.

Counsyl
Classification: Likely pathogenic for Andermann syndrome. Last evaluated: 2014-09-23. Review status: no assertion criteria provided. Collection method: literature only. Allele origin: unknown. Inheritance: Autosomal recessive inheritance. Not counted in ClinVar's aggregate classification.

Literature cited by the submitters: PubMed 22462673 (cited by 3 submitters); PubMed 27533158 (cited by Women's Health and Genetics/Laboratory Corporation of America, LabCorp); PubMed 23325410 (cited by Women's Health and Genetics/Laboratory Corporation of America, LabCorp); PubMed 30038111 (cited by Women's Health and Genetics/Laboratory Corporation of America, LabCorp).

NM_001365088.1(SLC12A6):c.571_572dup (p.Tyr192fs)

Gene: SLC12A6 (solute carrier family 12 member 6; minus strand). Cytogenetic location: 15q14.
Variant type: Microsatellite.
Coding change: c.571_572dup on transcript NM_001365088.1 (MANE Select); coding-DNA positions 571 to 572, 2 bases duplicated (GT; older notation c.571_572dupGT).
Protein change: p.Tyr192fs; shifts the reading frame from tyrosine 192.
Molecular consequence: frameshift variant.
Genome position (GRCh38, 1-based): chr15:34,257,760-34,257,761, AC duplicated on the plus strand (GT on the coding strand, the reverse complement: SLC12A6 is on the minus strand); duplicating any 2 consecutive bases within chr15:34,257,760-34,257,763 gives the same sequence; the c. name uses the placement nearest the transcript's 3' end. VCF-style (leftmost placement, unchanged base first): chr15-34257759-G-GAC. GRCh37 (hg19) VCF-style: chr15-34549960-G-GAC.
Other names: c.571_572dupGT (NM_133647.1); c.394_395dup, p.Tyr133fs (NM_001042494.2, NM_001042495.2); c.544_545dup, p.Tyr183fs (NM_001042496.2); c.526_527dup, p.Tyr177fs (NM_001042497.2); c.418_419dup, p.Tyr141fs (NM_005135.2); c.571_572dup, p.Tyr192fs (NM_133647.2); short protein forms Y192fs, Y133fs, Y141fs, Y177fs, Y183fs.
Identifiers: ClinVar variation 188972 (VCV000188972.6), dbSNP rs775111365, ClinGen allele CA274204.